The following is an entry in ClinVar:

NM_003803.4(MYOM1):c.814C>T (p.His272Tyr)

Gene: MYOM1 (myomesin 1; minus strand). Cytogenetic location: 18p11.31.
Variant type: single nucleotide variant.
Coding change: c.814C>T on transcript NM_003803.4 (MANE Select); coding-DNA position 814, C replaced by T.
Protein change: p.His272Tyr; replaces histidine 272 with tyrosine.
Molecular consequence: missense variant.
Genome position (GRCh38, 1-based): chr18:3,187,595, G>A on the plus strand (C>T on the coding strand, the complement: MYOM1 is on the minus strand). VCF-style: chr18-3187595-G-A. GRCh37 (hg19) VCF-style: chr18-3187593-G-A.
Other names: c.814C>T, p.His272Tyr (NM_019856.2); short protein forms H272Y.
Identifiers: ClinVar variation 525031 (VCV000525031.10), dbSNP rs1555628272, ClinGen allele CA401716286.

ClinVar aggregate classification (germline): Uncertain significance. Review status: criteria provided, multiple submitters, no conflicts (2 of 4 stars). 2 submissions from 2 submitters: Uncertain significance (2). Last evaluated 2025-09-21.

Conditions:
Hypertrophic cardiomyopathy. Also called: HYPERTROPHIC MYOCARDIOPATHY. Identifiers: Orphanet 217569, MedGen C0007194, MeSH D002312, MONDO:0005045, HP:0001639.

Allele frequency attached by ClinVar (database versions not stated): gnomAD exomes below 0.00001.
gnomAD v4.1: 1 of 1,612,808 alleles (0.000062%); highest among the groups gnomAD compares: Non-Finnish European, 0.000085%; no homozygotes.

Submissions (2):

Labcorp Genetics (formerly Invitae), Labcorp
Classification: Uncertain significance for Hypertrophic cardiomyopathy. Last evaluated: 2025-09-21. Review status: criteria provided, single submitter. Criteria: Invitae Variant Classification Sherloc (09022015). Collection method: clinical testing. Allele origin: germline.
Comment: This sequence change replaces histidine, which is basic and polar, with tyrosine, which is neutral and polar, at codon 272 of the MYOM1 protein (p.His272Tyr). This variant is not present in population databases (gnomAD no frequency). This variant has not been reported in the literature in individuals affected with MYOM1-related conditions. ClinVar contains an entry for this variant (Variation ID: 525031). Invitae Evidence Modeling of protein sequence and biophysical properties (such as structural, functional, and spatial information, amino acid conservation, physicochemical variation, residue mobility, and thermodynamic stability) indicates that this missense variant is not expected to disrupt MYOM1 protein function with a negative predictive value of 80%. In summary, the available evidence is currently insufficient to determine the role of this variant in disease. Therefore, it has been classified as a Variant of Uncertain Significance.

Stanford Center for Inherited Cardiovascular Disease, Stanford University
Classification: Uncertain significance. Last evaluated: 2018-01-21. Review status: criteria provided, single submitter. Criteria: ACMG Guidelines, 2015. Collection method: provider interpretation. Allele origin: germline.